The following is an entry in ClinVar:

NM_001105206.3(LAMA4):c.1295G>A (p.Ser432Asn)

Gene: LAMA4 (laminin subunit alpha 4; minus strand). Cytogenetic location: 6q21.
Variant type: single nucleotide variant.
Coding change: c.1295G>A on transcript NM_001105206.3 (MANE Select); coding-DNA position 1295, G replaced by A.
Protein change: p.Ser432Asn; replaces serine 432 with asparagine.
Molecular consequence: missense variant.
Genome position (GRCh38, 1-based): chr6:112,175,375, C>T on the plus strand (G>A on the coding strand, the complement: LAMA4 is on the minus strand). VCF-style: chr6-112175375-C-T. GRCh37 (hg19) VCF-style: chr6-112496577-C-T.
Other names: c.1274G>A, p.Ser425Asn (NM_001105207.3, NM_002290.5); short protein forms S432N, S425N.
Identifiers: ClinVar variation 958668 (VCV000958668.9), dbSNP rs1781962457, ClinGen allele CA365371766.

ClinVar aggregate classification (germline): Uncertain significance (1 of 4 stars; one submission).

Conditions:
Dilated cardiomyopathy 1JJ (CMD1JJ). Identifiers: Orphanet 154, MedGen C3808935, MONDO:0014095, OMIM 615235.

Allele frequency attached by ClinVar (database versions not stated): gnomAD exomes below 0.00001.
gnomAD v4.1: 1 of 1,614,196 alleles (0.000062%); highest among the groups gnomAD compares: Non-Finnish European, 0.000085%; no homozygotes.

Submission:

Labcorp Genetics (formerly Invitae), Labcorp
Classification: Uncertain significance for Dilated cardiomyopathy 1JJ. Last evaluated: 2022-07-18. Review status: criteria provided, single submitter. Criteria: Invitae Variant Classification Sherloc (09022015). Collection method: clinical testing. Allele origin: germline.
Comment: Algorithms developed to predict the effect of missense changes on protein structure and function (SIFT, PolyPhen-2, Align-GVGD) all suggest that this variant is likely to be tolerated. ClinVar contains an entry for this variant (Variation ID: 958668). This variant has not been reported in the literature in individuals affected with LAMA4-related conditions. This variant is not present in population databases (gnomAD no frequency). This sequence change replaces serine, which is neutral and polar, with asparagine, which is neutral and polar, at codon 425 of the LAMA4 protein (p.Ser425Asn). In summary, the available evidence is currently insufficient to determine the role of this variant in disease. Therefore, it has been classified as a Variant of Uncertain Significance.